The following is an entry in ClinVar:

ClinVar aggregate classification (germline): Uncertain significance (3 of 4 stars; one submission).

Conditions:
Monogenic diabetes. Identifiers: Orphanet 183625, MedGen C3888631, MONDO:0015967.

Submission:

ClinGen Monogenic Diabetes Variant Curation Expert Panel
Classification: Uncertain significance for Monogenic diabetes. Last evaluated: 2025-01-03. Review status: reviewed by expert panel. Criteria: ClinGen Diabetes ACMG Specifications HNF4A V2.0.0. Collection method: curation. Allele origin: germline. Inheritance: Autosomal dominant inheritance.
Comment: The c.953_958dup variant in the hepatocyte nuclear factor 4 alpha gene, HNF4A, is a 6 base pair insertion resulting in the in-frame addition of 2 amino acids at codon 318 (p.(Leu318_Leu319dup)) within exon 8 of NM_175914.5. This variant is absent from gnomAD v2.1.1 (PM2_Supporting). While the c.956_958dup variant is predicted to change the length of the protein due to an in-frame insertion of 2 amino acids, it is in a repeat region where the reference sequence contains a tract of 5 leucines and there is a relatively common 4 leucine variant (c.956_958del p.Leu319del, Popmax filtering allele frequency = 0.00011), and PM4 was not applied. This variant is located within the ligand-binding domain (codons 300-350) of HNF4A, which is defined as critical for the protein’s function by the ClinGen MDEP. This variant was identified in 2 unrelated individuals with non-autoimmune and non-absolute/near-absolute insulin-deficient diabetes and/or neonatal hypoglycemia; however, PS4_Moderate cannot be applied because this number is below the ClinGen MDEP threshold (PMID: 20164212, internal lab contributors). One of these individuals had a clinical history suggestive of HNF4A-MODY (neonatal hypoglycemia that is responsive to diazoxide and negative genetic testing for ABCC8 and KCNJ11)(PP4; PMID: 20164212,internal lab contributors). In summary, c.953_958dup meets the criteria to be classified as VUS for monogenic diabetes. ACMG/AMP criteria applied, as specified by the ClinGen MDEP VCEP (specification version 2.0.0, approved 10/11/2023): PP4, PM1_Supporting, PM2_Supporting.

NM_175914.5(HNF4A):c.944TGC[7] (p.Leu319_Pro320insLeuLeu)

Gene: HNF4A (hepatocyte nuclear factor 4 alpha; plus strand). Cytogenetic location: 20q13.12.
Variant type: Microsatellite.
Coding change: c.944TGC[7] on transcript NM_175914.5 (MANE Select); seven copies in a row of the 3-base unit TGC starting at c.944; the reference has five copies in a row; two copies, 6 bases duplicated.
Protein change: p.Leu319_Pro320insLeuLeu.
Genome position (GRCh38, 1-based): chr20:44,424,144-44,424,149, TGCTGC duplicated; duplicating any 6 consecutive bases within chr20:44,424,133-44,424,149 gives the same sequence; the position shown is the placement nearest the transcript's 3' end. VCF-style (leftmost placement, unchanged base first): chr20-44424132-A-AGCTGCT. GRCh37 (hg19) VCF-style: chr20-43052772-A-AGCTGCT.
Other names: NM_175914.5:c.953_958dup; c.1010TGC[7], p.Leu341_Pro342insLeuLeu (NM_000457.6, NM_178849.3, NM_178850.3); c.944TGC[7], p.Leu319_Pro320insLeuLeu (NM_001030003.3, NM_001030004.3); c.989TGC[7], p.Leu334_Pro335insLeuLeu (NM_001258355.2); c.935TGC[7], p.Leu316_Pro317insLeuLeu (NM_001287182.2, NM_001287183.2, NM_001287184.2).
Identifiers: ClinVar variation 3393512 (VCV003393512.1).